The following is an entry in ClinVar:

ClinVar aggregate classification (germline): Uncertain significance (1 of 4 stars; one submission).

Conditions:
Charcot-Marie-Tooth disease type 4. Also called: Charcot-Marie-Tooth, Type 4; Charcot-Marie-Tooth disease, type IV. Identifiers: Orphanet 64749, MedGen C4082197, MONDO:0018995.

Allele frequency attached by ClinVar (database versions not stated): gnomAD exomes below 0.00001; ExAC 0.00001; gnomAD 0.00001; 1000 Genomes Project 30x 0.00016; 1000 Genomes Project 0.00020.

Submission:

Labcorp Genetics (formerly Invitae), Labcorp
Classification: Uncertain significance for Charcot-Marie-Tooth disease type 4. Last evaluated: 2024-09-05. Review status: criteria provided, single submitter. Criteria: Invitae Variant Classification Sherloc (09022015). Collection method: clinical testing. Allele origin: germline.
Comment: This sequence change replaces lysine, which is basic and polar, with glutamic acid, which is acidic and polar, at codon 61 of the SBF2 protein (p.Lys61Glu). This variant is present in population databases (rs549233218, gnomAD 0.003%). This variant has not been reported in the literature in individuals affected with SBF2-related conditions. ClinVar contains an entry for this variant (Variation ID: 1060505). Invitae Evidence Modeling of protein sequence and biophysical properties (such as structural, functional, and spatial information, amino acid conservation, physicochemical variation, residue mobility, and thermodynamic stability) indicates that this missense variant is not expected to disrupt SBF2 protein function with a negative predictive value of 80%. In summary, the available evidence is currently insufficient to determine the role of this variant in disease. Therefore, it has been classified as a Variant of Uncertain Significance.

NM_030962.4(SBF2):c.181A>G (p.Lys61Glu)

Gene: SBF2 (SET binding factor 2; minus strand). Cytogenetic location: 11p15.4.
Variant type: single nucleotide variant.
Coding change: c.181A>G on transcript NM_030962.4 (MANE Select); coding-DNA position 181, A replaced by G.
Protein change: p.Lys61Glu; replaces lysine 61 with glutamic acid.
Molecular consequence: missense variant.
Genome position (GRCh38, 1-based): chr11:10,042,942, T>C on the plus strand (A>G on the coding strand, the complement: SBF2 is on the minus strand). VCF-style: chr11-10042942-T-C. GRCh37 (hg19) VCF-style: chr11-10064489-T-C.
Other names: c.181A>G, p.Lys61Glu (NM_001386339.1, NM_001386342.1); short protein forms K61E.
Identifiers: ClinVar variation 1060505 (VCV001060505.9), dbSNP rs549233218, ClinGen allele CA5882195.